The following is an entry in ClinVar:

NM_001374385.1(ATP8B1):c.2500_2588del (p.Met834fs)

Genes: ATP8B1 (ATPase phospholipid transporting 8B1; minus strand), ATP8B1-AS1 (ATP8B1 antisense RNA 1; plus strand). Cytogenetic location: 18q21.31.
Variant type: Deletion.
Coding change: c.2500_2588del on transcript NM_001374385.1 (MANE Select); coding-DNA positions 2500 to 2588, 89 bases deleted.
Protein change: p.Met834fs; shifts the reading frame from methionine 834.
Molecular consequence: frameshift variant.
Genome position (GRCh38, 1-based): chr18:57,661,293-57,661,381, 89 bases deleted. GRCh37 (hg19): chr18:55,328,525-55,328,613.
Other names: p.(Cys948Tyrfs*32); c.2350_2438del, p.Met784fs (NM_001374386.1); c.2500_2588del, p.Met834fs (NM_005603.6); short protein forms M784fs, M834fs.
Identifiers: ClinVar variation 2627551 (VCV002627551.2), dbSNP rs2511652911, ClinGen allele CA2582342338.

ClinVar aggregate classification (germline): Pathogenic (1 of 4 stars; one submission).

Conditions:
Progressive familial intrahepatic cholestasis type 1. Also called: Byler's disease; BYLER DISEASE; Severe ATP8B1 Deficiency (Progressive Familial Intrahepatic Cholestasis Type 1 [PFIC1]). Identifiers: Orphanet 79306, MedGen C4551898, MONDO:0008892, OMIM 211600.

Submission:

Center of Genomic medicine, Geneva, University Hospital of Geneva
Classification: Pathogenic for Progressive familial intrahepatic cholestasis type 1. Last evaluated: 2023-04-19. Review status: criteria provided, single submitter. Criteria: ACMG Guidelines, 2015. Collection method: clinical testing. Allele origin: maternal. Affected: yes. Observed: 2 variant alleles.
Comment: This variant is present in compound heterozygosity with another variant in the same gene